The following is an entry in ClinVar:

NM_002816.5(PSMD12):c.898C>G (p.Pro300Ala)

Gene: PSMD12 (proteasome 26S subunit, non-ATPase 12; minus strand). Cytogenetic location: 17q24.2.
Variant type: single nucleotide variant.
Coding change: c.898C>G on transcript NM_002816.5 (MANE Select); coding-DNA position 898, C replaced by G.
Protein change: p.Pro300Ala; replaces proline 300 with alanine.
Molecular consequence: missense variant.
Genome position (GRCh38, 1-based): chr17:67,345,755, G>C on the plus strand (C>G on the coding strand, the complement: PSMD12 is on the minus strand). VCF-style: chr17-67345755-G-C. GRCh37 (hg19) VCF-style: chr17-65341871-G-C.
Other names: c.721C>G, p.Pro241Ala (NM_001316341.2); c.838C>G, p.Pro280Ala (NM_174871.4); short protein forms P241A, P280A, P300A.
Identifiers: ClinVar variation 1690469 (VCV001690469.2), dbSNP rs761725668, ClinGen allele CA400804197.

ClinVar aggregate classification (germline): Uncertain significance (1 of 4 stars; one submission).

Submission:

Laboratorio de Genetica e Diagnostico Molecular, Hospital Israelita Albert Einstein
Classification: Uncertain significance. Last evaluated: 2021-10-15. Review status: criteria provided, single submitter. Criteria: ACMG Guidelines, 2015. Collection method: clinical testing. Allele origin: germline. Affected: yes.
Comment: ACMG classification criteria: PM2